The following is an entry in ClinVar:

NM_004655.4(AXIN2):c.967C>A (p.Pro323Thr)

Gene: AXIN2 (axin 2; minus strand). Cytogenetic location: 17q24.1.
Variant type: single nucleotide variant.
Coding change: c.967C>A on transcript NM_004655.4 (MANE Select); coding-DNA position 967, C replaced by A.
Protein change: p.Pro323Thr; replaces proline 323 with threonine.
Molecular consequence: missense variant.
Genome position (GRCh38, 1-based): chr17:65,541,547, G>T on the plus strand (C>A on the coding strand, the complement: AXIN2 is on the minus strand). VCF-style: chr17-65541547-G-T. GRCh37 (hg19) VCF-style: chr17-63537665-G-T.
Other names: c.967C>A, p.Pro323Thr (NM_001363813.1); short protein forms P323T.
Identifiers: ClinVar variation 1767760 (VCV001767760.2), dbSNP rs2544197026, ClinGen allele CA400679379.

ClinVar aggregate classification (germline): Uncertain significance (1 of 4 stars; one submission).

Conditions:
Hereditary cancer-predisposing syndrome. Also called: Hereditary Cancer Syndrome; Hereditary neoplastic syndrome; Neoplastic Syndromes, Hereditary; Tumor predisposition. Identifiers: Orphanet 140162, MedGen C0027672, MeSH D009386, MONDO:0015356.

Submission:

Ambry Genetics
Classification: Uncertain significance for Hereditary cancer-predisposing syndrome. Last evaluated: 2021-12-11. Review status: criteria provided, single submitter. Criteria: Ambry Variant Classification Scheme 2023. Collection method: clinical testing. Allele origin: germline.
Comment: The p.P323T variant (also known as c.967C>A), located in coding exon 3 of the AXIN2 gene, results from a C to A substitution at nucleotide position 967. The proline at codon 323 is replaced by threonine, an amino acid with highly similar properties. This amino acid position is conserved. In addition, this alteration is predicted to be deleterious by in silico analysis. Since supporting evidence is limited at this time, the clinical significance of this alteration remains unclear.